The following is an entry in ClinVar:

ClinVar aggregate classification (germline): Uncertain significance (1 of 4 stars; one submission).

Allele frequency attached by ClinVar (database versions not stated): gnomAD exomes below 0.00001; TOPMed 0.00001.
gnomAD v4.1: 4 of 1,609,464 alleles (0.00025%); highest among the groups gnomAD compares: Non-Finnish European, 0.00034%; no homozygotes.

Submission:

Labcorp Genetics (formerly Invitae), Labcorp
Classification: Uncertain significance. Last evaluated: 2022-05-03. Review status: criteria provided, single submitter. Criteria: Invitae Variant Classification Sherloc (09022015). Collection method: clinical testing. Allele origin: germline.
Comment: This sequence change replaces histidine, which is basic and polar, with proline, which is neutral and non-polar, at codon 1041 of the COL18A1 protein (p.His1041Pro). This variant is not present in population databases (gnomAD no frequency). This variant has not been reported in the literature in individuals affected with COL18A1-related conditions. Experimental studies and prediction algorithms are not available or were not evaluated, and the functional significance of this variant is currently unknown. In summary, the available evidence is currently insufficient to determine the role of this variant in disease. Therefore, it has been classified as a Variant of Uncertain Significance.

NM_001379500.1(COL18A1):c.3131A>C (p.His1044Pro)

Genes: COL18A1 (collagen type XVIII alpha 1 chain; plus strand), SLC19A1 (solute carrier family 19 member 1; minus strand). Cytogenetic location: 21q22.3.
Variant type: single nucleotide variant.
Coding change: c.3131A>C on transcript NM_001379500.1 (MANE Select); coding-DNA position 3131, A replaced by C.
Protein change: p.His1044Pro; replaces histidine 1044 with proline.
Molecular consequence: missense variant.
Genome position (GRCh38, 1-based): chr21:45,505,881, A>C. VCF-style: chr21-45505881-A-C. GRCh37 (hg19) VCF-style: chr21-46925795-A-C.
Other names: c.3662A>C, p.His1221Pro (NM_030582.4); c.4367A>C, p.His1456Pro (NM_130444.3); short protein forms H1044P, H1221P, H1456P.
Identifiers: ClinVar variation 2132720 (VCV002132720.4), dbSNP rs2037173826, ClinGen allele CA410499908.